The following is an entry in ClinVar:

ClinVar aggregate classification (germline): Pathogenic (1 of 4 stars; one submission).

Conditions:
Immunodeficiency 35 (IMD35). Also called: Susceptibility to infection due to TYK2 deficiency; HIES WITH ATYPICAL MYCOBACTERIOSIS, AUTOSOMAL RECESSIVE; HYPER-IgE SYNDROME WITH ATYPICAL MYCOBACTERIOSIS, AUTOSOMAL RECESSIVE; TYK2 DEFICIENCY. Identifiers: Orphanet 331226, MedGen C1969086, MONDO:0012682, OMIM 611521.

Submission:

Labcorp Genetics (formerly Invitae), Labcorp
Classification: Pathogenic for Immunodeficiency 35. Last evaluated: 2021-08-19. Review status: criteria provided, single submitter. Criteria: Invitae Variant Classification Sherloc (09022015). Collection method: clinical testing. Allele origin: germline.
Comment: This variant is a gross deletion of the genomic region encompassing exon(s) 19-23 of the TYK2 gene. This deletion is out-of-frame, and is expected to create a premature termination codon and result in an absent or disrupted protein product. Loss-of-function variants in TYK2 are known to be pathogenic (PMID: 22402565, 26304966). This variant has not been reported in the literature in individuals affected with TYK2-related conditions. For these reasons, this variant has been classified as Pathogenic.

Literature cited by the submitters: PubMed 22402565; PubMed 26304966.

NC_000019.9:g.(?_10463090)_(10465305_?)del

Gene: TYK2 (tyrosine kinase 2; minus strand). Cytogenetic location: 19p13.2.
Variant type: Deletion.
Identifiers: ClinVar variation 1459846 (VCV001459846.4).